The following is an entry in ClinVar:

NM_000214.3(JAG1):c.1029T>A (p.Asp343Glu)

Gene: JAG1 (jagged canonical Notch ligand 1; minus strand). Cytogenetic location: 20p12.2.
Variant type: single nucleotide variant.
Coding change: c.1029T>A on transcript NM_000214.3 (MANE Select); coding-DNA position 1029, T replaced by A.
Protein change: p.Asp343Glu; replaces aspartic acid 343 with glutamic acid.
Molecular consequence: missense variant.
Genome position (GRCh38, 1-based): chr20:10,651,672, A>T on the plus strand (T>A on the coding strand, the complement: JAG1 is on the minus strand). VCF-style: chr20-10651672-A-T. GRCh37 (hg19) VCF-style: chr20-10632320-A-T.
Other names: short protein forms D343E.
Identifiers: ClinVar variation 4746336 (VCV004746336.1).
Genomic context (GRCh38, chr20:10,651,672, plus strand): 5'-GGAACACTCACACTCAAAGCCCAGGGAGGTCTCCTTACAGCTGCCTCTGTTGTGACAGGG[A>T]TCAGAGAGGCAGGCGTGCTCAGCTGCAAAAACCAGGATGGCAGTCAGAGAGGGATGCCTG-3'
Protein context (NP_000205.1, residues 333-353): CEIAEHACLS[Asp343Glu]PCHNRGSCKE

ClinVar aggregate classification (germline): Uncertain significance (1 of 4 stars; one submission).

Conditions:
Alagille syndrome due to a JAG1 point mutation. Also called: HEPATIC DUCTULAR HYPOPLASIA, SYNDROMATIC; Alagille Syndrome 1; JAG1-Related Alagille Syndrome. Identifiers: Orphanet 261619, Orphanet 52, MedGen C1956125, MONDO:0016862, OMIM 118450.

Submission:

Labcorp Genetics (formerly Invitae), Labcorp
Classification: Uncertain significance for Alagille syndrome due to a JAG1 point mutation. Last evaluated: 2026-01-20. Review status: criteria provided, single submitter. Criteria: Invitae Variant Classification Sherloc (09022015). Collection method: clinical testing. Allele origin: germline.
Comment: This sequence change replaces aspartic acid, which is acidic and polar, with glutamic acid, which is acidic and polar, at codon 343 of the JAG1 protein (p.Asp343Glu). This variant is not present in population databases (gnomAD no frequency). This variant has not been reported in the literature in individuals affected with JAG1-related conditions. Invitae Evidence Modeling of protein sequence and biophysical properties (such as structural, functional, and spatial information, amino acid conservation, physicochemical variation, residue mobility, and thermodynamic stability) indicates that this missense variant is not expected to disrupt JAG1 protein function with a negative predictive value of 95%. In summary, the available evidence is currently insufficient to determine the role of this variant in disease. Therefore, it has been classified as a Variant of Uncertain Significance.